The following is an entry in ClinVar:

NM_001164508.2(NEB):c.2366A>G (p.Asp789Gly)

Gene: NEB (nebulin; minus strand). Cytogenetic location: 2q23.3.
Variant type: single nucleotide variant.
Coding change: c.2366A>G on transcript NM_001164508.2 (MANE Select); coding-DNA position 2366, A replaced by G.
Protein change: p.Asp789Gly; replaces aspartic acid 789 with glycine.
Molecular consequence: missense variant.
Genome position (GRCh38, 1-based): chr2:151,688,341, T>C on the plus strand (A>G on the coding strand, the complement: NEB is on the minus strand). VCF-style: chr2-151688341-T-C. GRCh37 (hg19) VCF-style: chr2-152544855-T-C.
Other names: c.2366A>G, p.Asp789Gly (NM_001164507.2, NM_001271208.2, NM_004543.5); short protein forms D789G.
Identifiers: ClinVar variation 424288 (VCV000424288.10), dbSNP rs201498216, ClinGen allele CA16617247.
Genomic context (GRCh38, chr2:151,688,341, plus strand): 5'-TTGGTACTTACATCACTCAGATTATAGGCATTGACTCTGTGTTGGATAAACTGTGGAGCA[T>C]CTGCTGGTATATGGCACTTGAACTTCTCACCTTCATGTTTTGCTTTGTAATTCAGCTGAA-3'
Protein context (NP_001157980.2, residues 779-799): GEKFKCHIPA[Asp789Gly]APQFIQHRVN

ClinVar aggregate classification (germline): Uncertain significance. Review status: criteria provided, multiple submitters, no conflicts (2 of 4 stars). 4 submissions from 4 submitters: Uncertain significance (3). 1 of the submissions does not count toward it. Last evaluated 2022-10-13.

Conditions:
Nemaline myopathy 2 (NEM2). Also called: Nemaline myopathy 2, autosomal recessive. Identifiers: MedGen C1850569, MONDO:0009725, OMIM 256030.

Allele frequency attached by ClinVar (database versions not stated): TOPMed below 0.00001; gnomAD 0.00001.
gnomAD v4.1: 1 of 1,613,858 alleles (0.000062%); highest among the groups gnomAD compares: Non-Finnish European, 0.000085%; no homozygotes.

Submissions (4):

Labcorp Genetics (formerly Invitae), Labcorp
Classification: Uncertain significance for Nemaline myopathy 2. Last evaluated: 2022-10-13. Review status: criteria provided, single submitter. Criteria: Invitae Variant Classification Sherloc (09022015). Collection method: clinical testing. Allele origin: germline.
Comment: This sequence change replaces aspartic acid, which is acidic and polar, with glycine, which is neutral and non-polar, at codon 789 of the NEB protein (p.Asp789Gly). This variant is not present in population databases (gnomAD no frequency). This variant has not been reported in the literature in individuals affected with NEB-related conditions. ClinVar contains an entry for this variant (Variation ID: 424288). Algorithms developed to predict the effect of missense changes on protein structure and function are either unavailable or do not agree on the potential impact of this missense change (SIFT: "Deleterious"; PolyPhen-2: "Not Available"; Align-GVGD: "Class C0"). In summary, the available evidence is currently insufficient to determine the role of this variant in disease. Therefore, it has been classified as a Variant of Uncertain Significance.

Revvity Omics, Revvity
Classification: Uncertain significance. Last evaluated: 2020-07-01. Review status: criteria provided, single submitter. Criteria: ACMG Guidelines, 2015. Collection method: clinical testing. Allele origin: germline.

GeneDx
Classification: Uncertain significance. Last evaluated: 2017-03-17. Review status: criteria provided, single submitter. Criteria: GeneDx Variant Classification (06012015). Collection method: clinical testing. Allele origin: germline. Affected: yes.
Comment: The D789G variant has not been published as a pathogenic variant, nor has it been reported as a benign variant to our knowledge. The D789G variant is not observed in large population cohorts (Lek et al., 2016; 1000 Genomes Consortium et al., 2015; Exome Variant Server). This variant is a non-conservative amino acid substitution, which is likely to impact secondary protein structure as these residues differ in polarity, charge, size and/or other properties. This substitution occurs at a position that is conserved across species, and in silico analysis predicts this variant is probably damaging to the protein structure/function. However, missense variants in nearby residues have not been reported in the Human Gene Mutation Database in association with nemaline myopathy (Stenson et al., 2014).

Natera, Inc.
Classification: Uncertain significance for Nemaline myopathy type 2. Last evaluated: 2020-11-12. Review status: no assertion criteria provided. Collection method: clinical testing. Allele origin: germline. Not counted in ClinVar's aggregate classification.